The following is an entry in ClinVar:

NM_012079.6(DGAT1):c.1053G>A (p.Glu351=)

Genes: DGAT1 (diacylglycerol O-acyltransferase 1; minus strand), LOC130001383 (ATAC-STARR-seq lymphoblastoid active region 28093; plus strand). Cytogenetic location: 8q24.3.
Variant type: single nucleotide variant.
Coding change: c.1053G>A on transcript NM_012079.6 (MANE Select); coding-DNA position 1053, G replaced by A.
Protein change: p.Glu351=; no amino-acid change (glutamic acid 351 retained).
Molecular consequence: synonymous variant.
Genome position (GRCh38, 1-based): chr8:144,317,374, C>T on the plus strand (G>A on the coding strand, the complement: DGAT1 is on the minus strand). VCF-style: chr8-144317374-C-T. GRCh37 (hg19) VCF-style: chr8-145541037-C-T.
Identifiers: ClinVar variation 2183489 (VCV002183489.1), dbSNP rs367673393, ClinGen allele CA4936697.
Genomic context (GRCh38, chr8:144,317,374, plus strand): 5'-ACACCCCAGGGACACTCACCACCAGTCCCGGTAGAACTCCCGGTCTCCAAACTGCATGAG[C>T]TCAGCCACGGCATTCAGGCAGGAGTGGAAGAGCCAGTAGAAGAAGATGAGCCAGATGAGG-3'
Protein context (NP_036211.2, residues 341-361): LFHSCLNAVA[Glu351=]LMQFGDREFY

ClinVar aggregate classification (germline): Uncertain significance (1 of 4 stars; one submission).

Allele frequency attached by ClinVar (database versions not stated): ExAC 0.00001; gnomAD 0.00001; gnomAD exomes 0.00001; TOPMed 0.00001; ESP Exome Variant Server 0.00008.

Submission:

Labcorp Genetics (formerly Invitae), Labcorp
Classification: Uncertain significance. Last evaluated: 2022-05-30. Review status: criteria provided, single submitter. Criteria: Invitae Variant Classification Sherloc (09022015). Collection method: clinical testing. Allele origin: germline.
Comment: This sequence change affects codon 351 of the DGAT1 mRNA. It is a 'silent' change, meaning that it does not change the encoded amino acid sequence of the DGAT1 protein. This variant is present in population databases (rs367673393, gnomAD 0.004%). This variant has not been reported in the literature in individuals affected with DGAT1-related conditions. Algorithms developed to predict the effect of sequence changes on RNA splicing suggest that this variant may create or strengthen a splice site. In summary, the available evidence is currently insufficient to determine the role of this variant in disease. Therefore, it has been classified as a Variant of Uncertain Significance.